The following is an entry in ClinVar:

ClinVar aggregate classification (germline): Uncertain significance (1 of 4 stars; one submission).

Allele frequency attached by ClinVar (database versions not stated): gnomAD exomes below 0.00001.
gnomAD v4.1: 2 of 1,594,962 alleles (0.00013%); highest among the groups gnomAD compares: Non-Finnish European, 0.00017%; no homozygotes.

Submission:

Women's Health and Genetics/Laboratory Corporation of America, LabCorp
Classification: Uncertain significance. Last evaluated: 2023-11-03. Review status: criteria provided, single submitter. Criteria: LabCorp Variant Classification Summary - May 2015. Collection method: clinical testing. Allele origin: germline.
Comment: Variant summary: TTBK2 c.3273-8C>A alters a non-conserved nucleotide located close to a canonical splice site and therefore could affect mRNA splicing, leading to a significantly altered protein sequence. Three computational tools predict a significant impact on normal splicing, suggesting the variant weakens a canonical 3' acceptor site. One predicts the variant has no significant impact on splicing. However, these predictions have yet to be confirmed by functional studies. The variant was absent in 240722 control chromosomes (gnomAD). The available data on variant occurrences in the general population are insufficient to allow any conclusion about variant significance. To our knowledge, no occurrence of c.3273-8C>A in individuals affected with Spinocerebellar Ataxia Type 11 and no experimental evidence demonstrating its impact on protein function have been reported. No submitters have cited clinical-significance assessments for this variant to ClinVar after 2014. Based on the evidence outlined above, the variant was classified as uncertain significance.

NM_173500.4(TTBK2):c.3273-8C>A

Gene: TTBK2 (tau tubulin kinase 2; minus strand). Cytogenetic location: 15q15.2.
Variant type: single nucleotide variant.
Coding change: c.3273-8C>A on transcript NM_173500.4 (MANE Select); 8 bases into the intron before coding-DNA position 3273, C replaced by A.
Molecular consequence: intron variant.
Genome position (GRCh38, 1-based): chr15:42,746,265, G>T on the plus strand (C>A on the coding strand, the complement: TTBK2 is on the minus strand). VCF-style: chr15-42746265-G-T. GRCh37 (hg19) VCF-style: chr15-43038463-G-T.
Identifiers: ClinVar variation 2682325 (VCV002682325.1), dbSNP rs1566996736, ClinGen allele CA2628073048.